The following is an entry in ClinVar:

ClinVar aggregate classification (germline): Likely benign. Review status: criteria provided, multiple submitters, no conflicts (2 of 4 stars). 4 submissions from 4 submitters: Likely benign (4). Last evaluated 2025-12-23.

Conditions:
Myofibrillar myopathy 5. Also called: Filaminopathy (type); FILAMINOPATHY, AUTOSOMAL DOMINANT. Identifiers: Orphanet 171445, MedGen C1836050, MONDO:0012289, OMIM 609524.
Distal myopathy with posterior leg and anterior hand involvement. Also called: WILLIAMS DISTAL MYOPATHY. Identifiers: Orphanet 63273, MedGen C3279722, MONDO:0013550, OMIM 614065.
Hypertrophic cardiomyopathy 26. Also called: Cardiomyopathy, familial hypertrophic, 26. Identifiers: Orphanet 75249, MedGen C4310749, MONDO:0014883, OMIM 617047.

Allele frequency attached by ClinVar (database versions not stated): gnomAD 0.00001; gnomAD exomes 0.00001; ExAC 0.00002; TOPMed 0.00002.
gnomAD v4.1: 46 of 1,614,000 alleles (0.0029%); highest among the groups gnomAD compares: Non-Finnish European, 0.0036%; no homozygotes.

Submissions (4):

Labcorp Genetics (formerly Invitae), Labcorp
Classification: Likely benign for Distal myopathy with posterior leg and anterior hand involvement; Myofibrillar myopathy 5; Hypertrophic cardiomyopathy 26. Last evaluated: 2025-12-23. Review status: criteria provided, single submitter. Criteria: Invitae Variant Classification Sherloc (09022015). Collection method: clinical testing. Allele origin: germline.

Mayo Clinic Laboratories, Mayo Clinic
Classification: Likely benign. Last evaluated: 2025-10-15. Review status: criteria provided, single submitter. Criteria: ACMG Guidelines, 2015. Collection method: clinical testing. Allele origin: germline. Observed: 1 variant allele.
Comment: BP4, BP7

ARUP Laboratories, Molecular Genetics and Genomics, ARUP Laboratories
Classification: Likely benign. Last evaluated: 2025-01-17. Review status: criteria provided, single submitter. Criteria: ARUP Molecular Germline Variant Investigation Process 2024. Collection method: clinical testing. Allele origin: germline.

Blueprint Genetics
Classification: Likely benign. Last evaluated: 2024-07-23. Review status: criteria provided, single submitter. Criteria: ACMG Guidelines, 2015. Collection method: clinical testing. Allele origin: germline.

NM_001458.5(FLNC):c.4951+10C>T

Gene: FLNC (filamin C; plus strand). Cytogenetic location: 7q32.1.
Variant type: single nucleotide variant.
Coding change: c.4951+10C>T on transcript NM_001458.5 (MANE Select); 10 bases into the intron after coding-DNA position 4951, C replaced by T.
Molecular consequence: intron variant.
Genome position (GRCh38, 1-based): chr7:128,849,214, C>T. VCF-style: chr7-128849214-C-T. GRCh37 (hg19) VCF-style: chr7-128489268-C-T.
Other names: p.?; c.4951+10C>T (NM_001127487.2).
Identifiers: ClinVar variation 539466 (VCV000539466.15), dbSNP rs778809639, ClinGen allele CA4475510.